The following is an entry in ClinVar:

NM_000277.3(PAH):c.935del (p.Gly312fs)

Gene: PAH (phenylalanine hydroxylase; minus strand). Cytogenetic location: 12q23.2.
Variant type: Deletion.
Coding change: c.935del on transcript NM_000277.3 (MANE Select); coding-DNA position 935, one base deleted (G; older notation c.935delG).
Protein change: p.Gly312fs; shifts the reading frame from glycine 312.
Molecular consequence: frameshift variant.
Genome position (GRCh38, 1-based): chr12:102,846,929, C deleted on the plus strand (G on the coding strand, the reverse complement: PAH is on the minus strand); the first of 3 consecutive C bases (chr12:102,846,929-102,846,931); deleting any one gives the same sequence. VCF-style (leftmost placement, unchanged base first): chr12-102846928-AC-A. GRCh37 (hg19) VCF-style: chr12-103240706-AC-A.
Other names: NM_001354304.2:c.933del; c.935del, p.Gly312fs (NM_001354304.2); short protein forms G312fs.
Identifiers: ClinVar variation 1693234 (VCV001693234.1), dbSNP rs2136639639, ClinGen allele CA16020900.

ClinVar aggregate classification (germline): Pathogenic (3 of 4 stars; one submission).

Conditions:
Phenylketonuria (PKU). Also called: Phenylketonurias; FOLLING DISEASE; Phenylketonuria (PKU); OLIGOPHRENIA PHENYLPYRUVICA. Identifiers: Orphanet 716, MedGen C0031485, MONDO:0009861, OMIM 261600. Disease mechanism: loss of function.

Submission:

ClinGen PAH Variant Curation Expert Panel
Classification: Pathogenic for Phenylketonuria. Last evaluated: 2022-06-12. Review status: reviewed by expert panel. Criteria: ClinGen PAH ACMG Specifications v1. Collection method: curation. Allele origin: germline. Inheritance: Autosomal recessive inheritance.
Comment: The frameshift variant c.933del occurs in exon 9 of 13 and is predicted to result in NMD. The variant is absent from population databases, including gnomAD. One patient has been reported (PMID: 21307867) with this variant. In summary, this variant meets criteria to be classified as Pathogenic for PAH. PAH-specific ACMG/AMP criteria applied: PVS1, PM2, PP4_moderate.